The following is an entry in ClinVar:

ClinVar aggregate classification (germline): Conflicting classifications of pathogenicity. Review status: criteria provided, conflicting classifications (1 of 4 stars). 5 submissions from 5 submitters: Uncertain significance (4); Likely benign (1). Last evaluated 2025-09-16.

Conditions:
Hereditary cancer-predisposing syndrome. Also called: Tumor predisposition; Hereditary Cancer Syndrome; Hereditary neoplastic syndrome; Neoplastic Syndromes, Hereditary. Identifiers: Orphanet 140162, MedGen C0027672, MeSH D009386, MONDO:0015356.
Hereditary breast ovarian cancer syndrome. Also called: Breast and ovarian cancer; Hereditary breast and ovarian cancer syndrome; Hereditary breast and ovarian cancer; BRCA1- and BRCA2-Associated Hereditary Breast and Ovarian Cancer; Hereditary breast and ovarian cancer syndrome (HBOC); Hereditary breast and/or ovarian cancer syndrome. Identifiers: Orphanet 145, MedGen C0677776, MeSH D061325, MONDO:0003582. Disease mechanism: loss of function.
Breast-ovarian cancer, familial, susceptibility to, 2 (BROVCA2). Also called: BRCA2 Hereditary Breast and Ovarian Cancer. Identifiers: Orphanet 145, MedGen C2675520, MONDO:0012933, OMIM 612555. Disease mechanism: loss of function.

Allele frequency attached by ClinVar (database versions not stated): gnomAD exomes below 0.00001.
gnomAD v4.1: 3 of 1,614,122 alleles (0.00019%); highest among the groups gnomAD compares: South Asian, 0.0011%; no homozygotes.

Submissions (5):

Ambry Genetics
Classification: Likely benign for Hereditary cancer-predisposing syndrome. Last evaluated: 2025-09-16. Review status: criteria provided, single submitter. Criteria: Ambry Variant Classification Scheme 2023. Collection method: clinical testing. Allele origin: germline.

Labcorp Genetics (formerly Invitae), Labcorp
Classification: Uncertain significance for Hereditary breast ovarian cancer syndrome. Last evaluated: 2025-06-15. Review status: criteria provided, single submitter. Criteria: Invitae Variant Classification Sherloc (09022015). Collection method: clinical testing. Allele origin: germline.
Comment: This sequence change replaces glycine, which is neutral and non-polar, with aspartic acid, which is acidic and polar, at codon 3305 of the BRCA2 protein (p.Gly3305Asp). This variant is not present in population databases (gnomAD no frequency). This variant has not been reported in the literature in individuals affected with BRCA2-related conditions. ClinVar contains an entry for this variant (Variation ID: 182269). Invitae Evidence Modeling of protein sequence and biophysical properties (such as structural, functional, and spatial information, amino acid conservation, physicochemical variation, residue mobility, and thermodynamic stability) indicates that this missense variant is not expected to disrupt BRCA2 protein function with a negative predictive value of 95%. In summary, the available evidence is currently insufficient to determine the role of this variant in disease. Therefore, it has been classified as a Variant of Uncertain Significance.

Color Diagnostics, LLC DBA Color Health
Classification: Uncertain significance for Hereditary cancer-predisposing syndrome. Last evaluated: 2024-03-06. Review status: criteria provided, single submitter. Criteria: ACMG Guidelines, 2015. Collection method: clinical testing. Allele origin: germline.
Comment: This missense variant replaces glycine with aspartic acid at codon 3305 of the BRCA2 protein. Computational prediction suggests that this variant may not impact protein structure and function (internally defined REVEL score threshold <= 0.5, PMID: 27666373). To our knowledge, functional studies have not been reported for this variant. This variant has not been reported in individuals affected with BRCA2-related disorders in the literature. This variant has not been identified in the general population by the Genome Aggregation Database (gnomAD). The available evidence is insufficient to determine the role of this variant in disease conclusively. Therefore, this variant is classified as a Variant of Uncertain Significance.

All of Us Research Program, National Institutes of Health
Classification: Uncertain significance for Breast-ovarian cancer, familial, susceptibility to, 2. Last evaluated: 2023-05-04. Review status: criteria provided, single submitter. Criteria: ACMG Guidelines, 2015. Collection method: clinical testing. Allele origin: germline. Inheritance: Autosomal dominant inheritance. Observed: 1 variant allele, 1 heterozygote.
Comment: This missense variant replaces glycine with aspartic acid at codon 3305 of the BRCA2 protein. Computational prediction suggests that this variant may not impact protein structure and function (internally defined REVEL score threshold <= 0.5, PMID: 27666373). To our knowledge, functional studies have not been reported for this variant. This variant has not been reported in individuals affected with BRCA2-related disorders in the literature. This variant has not been identified in the general population by the Genome Aggregation Database (gnomAD). The available evidence is insufficient to determine the role of this variant in disease conclusively. Therefore, this variant is classified as a Variant of Uncertain Significance.

This study involves interpretation of variants in research participants for the purpose of population health screening. Participant phenotype was not available at the time of variant classification. Additional details can be found in publication PMID: 35346344, PMCID: PMC8962531

GeneDx
Classification: Uncertain significance. Last evaluated: 2014-05-09. Review status: criteria provided, single submitter. Criteria: GeneDx Variant Classification (06012015). Collection method: clinical testing. Allele origin: germline. Affected: yes.
Comment: This variant is denoted BRCA2 c.9914G>A at the cDNA level, p.Gly3305Asp (G3305D) at the protein level, and results in the change of a Glycine to an Aspartic Acid (GGC>GAC). This variant has not, to our knowledge, been published in the literature as pathogenic or benign. BRCA2 Gly3305Asp was not observed in approximately 6,500 individuals of European and African American ancestry in the NHLBI Exome Sequencing Project. Since Glycine and Aspartic Acid differ in polarity, charge, size or other properties, this is considered a non-conservative amino acid substitution. BRCA2 Gly3305Asp occurs at a position that is moderately conserved across species and is not located in a known functional domain. In silico analyses are inconsistent regarding the effect this variant may have on protein structure and function. Based on currently available information, it is unclear whether BRCA2 Gly3305Asp is pathogenic or benign. We consider it to be a variant of uncertain significance.

NM_000059.4(BRCA2):c.9914G>A (p.Gly3305Asp)

Gene: BRCA2 (BRCA2 DNA repair associated; plus strand). Cytogenetic location: 13q13.1.
Variant type: single nucleotide variant.
Coding change: c.9914G>A on transcript NM_000059.4 (MANE Select); coding-DNA position 9914, G replaced by A.
Protein change: p.Gly3305Asp; replaces glycine 3305 with aspartic acid.
Molecular consequence: missense variant.
Genome position (GRCh38, 1-based): chr13:32,398,427, G>A. VCF-style: chr13-32398427-G-A. GRCh37 (hg19) VCF-style: chr13-32972564-G-A.
Other names: p.G3305D:GGC>GAC; short protein forms G3305D.
Identifiers: ClinVar variation 182269 (VCV000182269.11), dbSNP rs730881577, ClinGen allele CA026330.